The following is an entry in ClinVar:

NM_005726.6(TSFM):c.785G>C (p.Gly262Ala)

Gene: TSFM (Ts translation elongation factor, mitochondrial; plus strand). Cytogenetic location: 12q14.1.
Variant type: single nucleotide variant.
Coding change: c.785G>C on transcript NM_005726.6 (MANE Select); coding-DNA position 785, G replaced by C.
Protein change: p.Gly262Ala; replaces glycine 262 with alanine.
Molecular consequence: missense variant. On other transcripts: 3 prime UTR variant (1), intron variant (1).
Genome position (GRCh38, 1-based): chr12:57,796,390, G>C. VCF-style: chr12-57796390-G-C. GRCh37 (hg19) VCF-style: chr12-58190173-G-C.
Other names: c.*193G>C (NM_001172695.2); c.848G>C, p.Gly283Ala (NM_001172696.2); c.571+3317G>C (NM_001172697.2); short protein forms G262A, G283A.
Identifiers: ClinVar variation 1357530 (VCV001357530.4), dbSNP rs369783769, ClinGen allele CA385531202.

ClinVar aggregate classification (germline): Uncertain significance (1 of 4 stars; one submission).

Submission:

Labcorp Genetics (formerly Invitae), Labcorp
Classification: Uncertain significance. Last evaluated: 2022-07-19. Review status: criteria provided, single submitter. Criteria: Invitae Variant Classification Sherloc (09022015). Collection method: clinical testing. Allele origin: germline.
Comment: This variant has not been reported in the literature in individuals affected with TSFM-related conditions. This sequence change replaces glycine, which is neutral and non-polar, with alanine, which is neutral and non-polar, at codon 283 of the TSFM protein (p.Gly283Ala). This variant is not present in population databases (gnomAD no frequency). ClinVar contains an entry for this variant (Variation ID: 1357530). Algorithms developed to predict the effect of missense changes on protein structure and function are either unavailable or do not agree on the potential impact of this missense change (SIFT: "Deleterious"; PolyPhen-2: "Probably Damaging"; Align-GVGD: "Class C0"). In summary, the available evidence is currently insufficient to determine the role of this variant in disease. Therefore, it has been classified as a Variant of Uncertain Significance.